The following is an entry in ClinVar:

NM_001319074.4(RAX2):c.308C>T (p.Ala103Val)

Gene: RAX2 (retina and anterior neural fold homeobox 2; minus strand). Cytogenetic location: 19p13.3.
Variant type: single nucleotide variant.
Coding change: c.308C>T on transcript NM_001319074.4 (MANE Select); coding-DNA position 308, C replaced by T.
Protein change: p.Ala103Val; replaces alanine 103 with valine.
Molecular consequence: missense variant.
Genome position (GRCh38, 1-based): chr19:3,770,868, G>A on the plus strand (C>T on the coding strand, the complement: RAX2 is on the minus strand). VCF-style: chr19-3770868-G-A. GRCh37 (hg19) VCF-style: chr19-3770866-G-A.
Other names: c.308C>T, p.Ala103Val (NM_032753.4); short protein forms A103V.
Identifiers: ClinVar variation 4987694 (VCV004987694.1).

ClinVar aggregate classification (germline): Uncertain significance (1 of 4 stars; one submission).

Conditions:
RAX2-related disorder. Also called: RAX2-related disorders; RAX2-related condition.

Submission:

PreventionGenetics, part of Exact Sciences
Classification: Uncertain significance for RAX2-related condition. Last evaluated: 2025-06-28. Review status: criteria provided, single submitter. Criteria: ACMG Guidelines, 2015. Collection method: clinical testing. Allele origin: germline.
Comment: The RAX2 c.308C>T variant is predicted to result in the amino acid substitution p.Ala103Val. To our knowledge, this variant has not been reported in the literature or in a large population database (gnomAD), indicating this variant is rare. At this time, the clinical significance of this variant is uncertain due to the absence of conclusive functional and genetic evidence.